The following is an entry in ClinVar:

NM_001042492.3(NF1):c.3818C>G (p.Thr1273Ser)

Gene: NF1 (neurofibromin 1; plus strand). Cytogenetic location: 17q11.2.
Variant type: single nucleotide variant.
Coding change: c.3818C>G on transcript NM_001042492.3 (MANE Select); coding-DNA position 3818, C replaced by G.
Protein change: p.Thr1273Ser; replaces threonine 1273 with serine.
Molecular consequence: missense variant.
Genome position (GRCh38, 1-based): chr17:31,235,720, C>G. VCF-style: chr17-31235720-C-G. GRCh37 (hg19) VCF-style: chr17-29562738-C-G.
Other names: c.3818C>G, p.Thr1273Ser (NM_000267.4); short protein forms T1273S.
Identifiers: ClinVar variation 2701270 (VCV002701270.3), dbSNP rs2151437962, ClinGen allele CA398992721.

ClinVar aggregate classification (germline): Uncertain significance (1 of 4 stars; one submission).

Conditions:
Neurofibromatosis, type 1 (NF1). Also called: Peripheral type neurofibromatosis; VON RECKLINGHAUSEN DISEASE; Neurofibromatosis, type I; NEUROFIBROMATOSIS, TYPE I, SOMATIC. Identifiers: Orphanet 636, MedGen C0027831, MONDO:0018975, OMIM 162200. Disease mechanism: loss of function.

Submission:

Labcorp Genetics (formerly Invitae), Labcorp
Classification: Uncertain significance for Neurofibromatosis, type 1. Last evaluated: 2023-12-26. Review status: criteria provided, single submitter. Criteria: Invitae Variant Classification Sherloc (09022015). Collection method: clinical testing. Allele origin: germline.
Comment: This sequence change replaces threonine, which is neutral and polar, with serine, which is neutral and polar, at codon 1273 of the NF1 protein (p.Thr1273Ser). This variant is not present in population databases (gnomAD no frequency). This variant has not been reported in the literature in individuals affected with NF1-related conditions. Advanced modeling of protein sequence and biophysical properties (such as structural, functional, and spatial information, amino acid conservation, physicochemical variation, residue mobility, and thermodynamic stability) performed at Invitae indicates that this missense variant is expected to disrupt NF1 protein function with a positive predictive value of 95%. In summary, the available evidence is currently insufficient to determine the role of this variant in disease. Therefore, it has been classified as a Variant of Uncertain Significance.